The following is an entry in ClinVar:

NM_014727.3(KMT2B):c.6037A>T (p.Met2013Leu)

Gene: KMT2B (lysine methyltransferase 2B; plus strand). Cytogenetic location: 19q13.12.
Variant type: single nucleotide variant.
Coding change: c.6037A>T on transcript NM_014727.3 (MANE Select); coding-DNA position 6037, A replaced by T.
Protein change: p.Met2013Leu; replaces methionine 2013 with leucine.
Molecular consequence: missense variant.
Genome position (GRCh38, 1-based): chr19:35,732,586, A>T. VCF-style: chr19-35732586-A-T. GRCh37 (hg19) VCF-style: chr19-36223487-A-T.
Other names: short protein forms M2013L.
Identifiers: ClinVar variation 4782149 (VCV004782149.1).

ClinVar aggregate classification (germline): Uncertain significance (1 of 4 stars; one submission).

Submission:

Labcorp Genetics (formerly Invitae), Labcorp
Classification: Uncertain significance. Last evaluated: 2025-05-11. Review status: criteria provided, single submitter. Criteria: Invitae Variant Classification Sherloc (09022015). Collection method: clinical testing. Allele origin: germline.
Comment: This sequence change replaces methionine, which is neutral and non-polar, with leucine, which is neutral and non-polar, at codon 2013 of the KMT2B protein (p.Met2013Leu). This variant is not present in population databases (gnomAD no frequency). This variant has not been reported in the literature in individuals affected with KMT2B-related conditions. Invitae Evidence Modeling of protein sequence and biophysical properties (such as structural, functional, and spatial information, amino acid conservation, physicochemical variation, residue mobility, and thermodynamic stability) indicates that this missense variant is not expected to disrupt KMT2B protein function with a negative predictive value of 95%. In summary, the available evidence is currently insufficient to determine the role of this variant in disease. Therefore, it has been classified as a Variant of Uncertain Significance.